The following is an entry in ClinVar:

ClinVar aggregate classification (germline): Likely pathogenic (1 of 4 stars; one submission).

Conditions:
Hereditary cancer-predisposing syndrome. Also called: Neoplastic Syndromes, Hereditary; Tumor predisposition; Hereditary Cancer Syndrome; Hereditary neoplastic syndrome. Identifiers: Orphanet 140162, MedGen C0027672, MeSH D009386, MONDO:0015356.

gnomAD v4.1: 1 of 1,557,146 alleles (0.000064%); highest among the groups gnomAD compares: African/African-American, 0.0014%; no homozygotes.

Submission:

Ambry Genetics
Classification: Likely pathogenic for Hereditary cancer-predisposing syndrome. Last evaluated: 2025-07-09. Review status: criteria provided, single submitter. Criteria: Ambry Variant Classification Scheme 2023. Collection method: clinical testing. Allele origin: germline.
Comment: The c.1908+1G>A intronic variant results from a G to A substitution one nucleotide after coding exon 14 of the SDHA gene. Alterations that disrupt the canonical splice site are expected to result in aberrant splicing. In silico splice site analysis predicts that this alteration will weaken the native splice donor site. A resulting transcript is predicted to be in-frame and is not expected to trigger nonsense-mediated mRNAdecay; although, direct evidence is unavailable. However, the region predicted to be impacted is critical for protein function (Ambry internal data). This variant is considered to be rare based on population cohorts in the Genome Aggregation Database (gnomAD). This nucleotide position is highly conserved in available vertebrate species. Based on the majority of available evidence to date, this variant is likely to be pathogenic.

NM_004168.4(SDHA):c.1908+1G>A

Gene: SDHA (succinate dehydrogenase complex flavoprotein subunit A; plus strand). Cytogenetic location: 5p15.33.
Variant type: single nucleotide variant.
Coding change: c.1908+1G>A on transcript NM_004168.4 (MANE Select); the canonical splice donor site of the intron after coding-DNA position 1908, G replaced by A.
Molecular consequence: splice donor variant.
Genome position (GRCh38, 1-based): chr5:254,507, G>A. VCF-style: chr5-254507-G-A. GRCh37 (hg19) VCF-style: chr5-254622-G-A.
Other names: c.1665+1G>A (NM_001330758.2); c.1764+1G>A (NM_001294332.2).
Identifiers: ClinVar variation 4161188 (VCV004161188.1).
Genomic context (GRCh38, chr5:254,507, plus strand): 5'-CCCTTTGAGGAGCACTGGAGGAAGCACACCCTGTCCTATGTGGACGTTGGCACTGGGAAG[G>A]TCAGTGTGGAGCTCGTTCTCACCACAGCCCAGCACCCACACGGCCCCGCCCAGGCCTGCG-3'